The following is an entry in ClinVar:

ClinVar aggregate classification (germline): Uncertain significance (1 of 4 stars; one submission).

Conditions:
Malignant hyperthermia, susceptibility to, 1 (MHS1). Also called: Anesthesia related hyperthermia; Malignant hyperpyrexia; Fulminating hyperpyrexia; Pharmacogenic myopathy; Malignant hyperthermia suceptibility 1; RYR1-Related Malignant Hyperthermia Susceptibility. Identifiers: Orphanet 423, MedGen C2930980, MONDO:0007783, OMIM 145600.

gnomAD v4.1: 1 of 1,612,324 alleles (0.000062%); highest among the groups gnomAD compares: South Asian, 0.0011%; no homozygotes.

Submission:

All of Us Research Program, National Institutes of Health
Classification: Uncertain significance for Malignant hyperthermia, susceptibility to, 1. Last evaluated: 2024-02-22. Review status: criteria provided, single submitter. Criteria: ACMG Guidelines, 2015. Collection method: clinical testing. Allele origin: germline. Inheritance: Autosomal dominant inheritance. Observed: 1 variant allele, 1 heterozygote.
Comment: This missense variant replaces methionine with threonine at codon 2423 of the RYR1 protein. Computational prediction suggests that this variant may have deleterious impact on protein structure and function (internally defined REVEL score threshold >= 0.7, PMID: 27666373). To our knowledge, functional studies have not been reported for this variant. This variant has not been reported in individuals affected with RYR1-related disorders in the literature. This variant has not been identified in the general population by the Genome Aggregation Database (gnomAD). The available evidence is insufficient to determine the role of this variant in disease conclusively. Therefore, this variant is classified as a Variant of Uncertain Significance.

This study involves interpretation of variants in research participants for the purpose of population health screening. Participant phenotype was not available at the time of variant classification. Additional details can be found in publication PMID: 35346344, PMCID: PMC8962531

NM_000540.3(RYR1):c.7268T>C (p.Met2423Thr)

Gene: RYR1 (ryanodine receptor 1; plus strand). Cytogenetic location: 19q13.2.
Variant type: single nucleotide variant.
Coding change: c.7268T>C on transcript NM_000540.3 (MANE Select); coding-DNA position 7268, T replaced by C.
Protein change: p.Met2423Thr; replaces methionine 2423 with threonine.
Molecular consequence: missense variant.
Genome position (GRCh38, 1-based): chr19:38,499,961, T>C. VCF-style: chr19-38499961-T-C. GRCh37 (hg19) VCF-style: chr19-38990601-T-C.
Other names: c.7268T>C, p.Met2423Thr (NM_001042723.2); short protein forms M2423T.
Identifiers: ClinVar variation 3385444 (VCV003385444.1).